The following is an entry in ClinVar:

ClinVar aggregate classification (germline): Uncertain significance (1 of 4 stars; one submission).

Conditions:
DPAGT1-congenital disorder of glycosylation. Also called: DPAGT1-CDG; CONGENITAL DISORDER OF GLYCOSYLATION, TYPE Ij; CDG Ij. Identifiers: Orphanet 86309, MedGen C2931004, MONDO:0011964, OMIM 608093.
Congenital myasthenic syndrome 13 (CMS13). Also called: Myasthenic syndrome, congenital, 13, with tubular aggregates; Myasthenic syndrome, congenital, with tubular aggregates 2. Identifiers: Orphanet 353327, Orphanet 590, MedGen C3553645, MONDO:0013883, OMIM 614750.

Allele frequency attached by ClinVar (database versions not stated): gnomAD exomes below 0.00001 and 0.00001; TOPMed below 0.00001; ExAC 0.00001.

Submission:

Labcorp Genetics (formerly Invitae), Labcorp
Classification: Uncertain significance for Congenital myasthenic syndrome 13; DPAGT1-congenital disorder of glycosylation. Last evaluated: 2021-11-24. Review status: criteria provided, single submitter. Criteria: Invitae Variant Classification Sherloc (09022015). Collection method: clinical testing. Allele origin: germline.
Comment: This sequence change replaces alanine, which is neutral and non-polar, with aspartic acid, which is acidic and polar, at codon 258 of the DPAGT1 protein (p.Ala258Asp). This variant is not present in population databases (gnomAD no frequency). This variant has not been reported in the literature in individuals affected with DPAGT1-related conditions. ClinVar contains an entry for this variant (Variation ID: 957811). Algorithms developed to predict the effect of missense changes on protein structure and function are either unavailable or do not agree on the potential impact of this missense change (SIFT: "Deleterious"; PolyPhen-2: "Probably Damaging"; Align-GVGD: "Class C0"). In summary, the available evidence is currently insufficient to determine the role of this variant in disease. Therefore, it has been classified as a Variant of Uncertain Significance.

NM_001382.4(DPAGT1):c.773C>A (p.Ala258Asp)

Gene: DPAGT1 (dolichyl-phosphate N-acetylglucosaminephosphotransferase 1; minus strand). Cytogenetic location: 11q23.3.
Variant type: single nucleotide variant.
Coding change: c.773C>A on transcript NM_001382.4 (MANE Select); coding-DNA position 773, C replaced by A.
Protein change: p.Ala258Asp; replaces alanine 258 with aspartic acid.
Molecular consequence: missense variant.
Genome position (GRCh38, 1-based): chr11:119,097,999, G>T on the plus strand (C>A on the coding strand, the complement: DPAGT1 is on the minus strand). VCF-style: chr11-119097999-G-T. GRCh37 (hg19) VCF-style: chr11-118968709-G-T.
Other names: short protein forms A258D.
Identifiers: ClinVar variation 957811 (VCV000957811.5), dbSNP rs780944148, ClinGen allele CA6314532.
Genomic context (GRCh38, chr11:119,097,999, plus strand): 5'-AATAGTAGCATGGTCTTGCTGAAGTGTCCCAAGATGCCCACCACGGCAAAGGTCATGCCA[G>T]CAAAGTAACAGAAGGTATCTCCCACAAACACCCGTGATGGGTACCTGTGTGGGGGAAGAG-3'
Protein context (NP_001373.2, residues 248-268): VFVGDTFCYF[Ala258Asp]GMTFAVVGIL